The following is an entry in ClinVar:

ClinVar aggregate classification (germline): Uncertain significance (1 of 4 stars; one submission).

Conditions:
Inborn genetic diseases. Identifiers: MedGen C0950123, MeSH D030342.

gnomAD v4.1: 1 of 1,609,618 alleles (0.000062%); highest among the groups gnomAD compares: South Asian, 0.0011%; no homozygotes.

Submission:

Ambry Genetics
Classification: Uncertain significance for Inborn genetic diseases. Last evaluated: 2025-08-25. Review status: criteria provided, single submitter. Criteria: Ambry Variant Classification Scheme 2023. Collection method: clinical testing. Allele origin: germline.
Comment: The p.S145R variant (also known as c.435C>G), located in coding exon 1 of the WT1 gene, results from a C to G substitution at nucleotide position 435. The serine at codon 145 is replaced by arginine, an amino acid with dissimilar properties. This amino acid position is conserved. In addition, this alteration is predicted to be tolerated by in silico analysis. Based on the available evidence, the clinical significance of this variant remains unclear.

NM_024426.6(WT1):c.450C>G (p.Ser150Arg)

Genes: WT1 (WT1 transcription factor; minus strand), LOC107982234 (WT1/WT1-AS bi-directional promoter region; plus strand). Cytogenetic location: 11p13.
Variant type: single nucleotide variant.
Coding change: c.450C>G on transcript NM_024426.6 (MANE Select); coding-DNA position 450, C replaced by G.
Protein change: p.Ser150Arg; replaces serine 150 with arginine.
Molecular consequence: missense variant. On other transcripts: non-coding transcript variant (2).
Genome position (GRCh38, 1-based): chr11:32,434,911, G>C on the plus strand (C>G on the coding strand, the complement: WT1 is on the minus strand). VCF-style: chr11-32434911-G-C. GRCh37 (hg19) VCF-style: chr11-32456457-G-C.
Other names: c.450C>G, p.Ser150Arg (NM_001407050.1, NM_024424.5, NM_000378.6 and 6 more transcripts); c.231C>G, p.Ser77Arg (NM_001429031.1, NM_001429032.1, NM_001429033.1 and 1 more transcripts); short protein forms S145R, S150R, S77R.
Identifiers: ClinVar variation 4202249 (VCV004202249.1).